The following is an entry in ClinVar:

ClinVar aggregate classification (germline): Uncertain significance (1 of 4 stars; one submission).

Submission:

Ambry Genetics
Classification: Uncertain significance. Last evaluated: 2025-10-14. Review status: criteria provided, single submitter. Criteria: Ambry Variant Classification Scheme 2023. Collection method: clinical testing. Allele origin: germline.
Comment: The p.D767A variant (also known as c.2300A>C), located in coding exon 12 of the ATRIP gene, results from an A to C substitution at nucleotide position 2300. The aspartic acid at codon 767 is replaced by alanine, an amino acid with dissimilar properties. This amino acid position is conserved. In addition, this alteration is predicted to be tolerated by in silico analysis. Based on the available evidence, the clinical significance of this variant remains unclear.

NM_130384.3(ATRIP):c.2300A>C (p.Asp767Ala)

Genes: ATRIP (ATR interacting protein; plus strand), ATRIP-TREX1 (ATRIP-TREX1 readthrough; plus strand). Cytogenetic location: 3p21.31.
Variant type: single nucleotide variant.
Coding change: c.2300A>C on transcript NM_130384.3 (MANE Select); coding-DNA position 2300, A replaced by C.
Protein change: p.Asp767Ala; replaces aspartic acid 767 with alanine.
Molecular consequence: missense variant. On other transcripts: non-coding transcript variant (1).
Genome position (GRCh38, 1-based): chr3:48,465,075, A>C. VCF-style: chr3-48465075-A-C. GRCh37 (hg19) VCF-style: chr3-48506474-A-C.
Other names: c.1919A>C, p.Asp640Ala (NM_001271022.2); c.2021A>C, p.Asp674Ala (NM_001271023.2); c.2219A>C, p.Asp740Ala (NM_032166.4); short protein forms D640A, D740A, D674A, D767A.
Identifiers: ClinVar variation 4644542 (VCV004644542.1).
Genomic context (GRCh38, chr3:48,465,075, plus strand): 5'-AGTTTGACCAGGTGATGCCGGGGGTCAGCATGCTCATCCGAGGGCTTCCTGATGTGACGG[A>C]CTGTGAAGGTAAGCCTGCCAGAGGCCATCCTGCCCAGCCCCCATGGCTTCTTCCAGAGGT-3'
Protein context (NP_569055.1, residues 757-777): MLIRGLPDVT[Asp767Ala]CEEAALDDLC